The following is an entry in ClinVar:

ClinVar aggregate classification (germline): Uncertain significance (1 of 4 stars; one submission).

Submission:

Dasa
Classification: Uncertain significance. Last evaluated: 2026-05-21. Review status: criteria provided, single submitter. Criteria: DASA Assertion Criteria. Collection method: clinical testing. Allele origin: germline.
Comment: NM_005334.3(HCFC1):c.8C>G (p.Ser3Trp) is a missense variant that results in the substitution of serine with tryptophan. This variant is absent from population databases. The currently available literature and clinical evidence are not sufficient to establish a definitive association between this variant and the reported condition. Therefore, this variant is classified as a variant of uncertain significance.

NM_005334.3(HCFC1):c.8C>G (p.Ser3Trp)

Gene: HCFC1 (host cell factor C1; minus strand). Cytogenetic location: Xq28.
Variant type: single nucleotide variant.
Coding change: c.8C>G on transcript NM_005334.3 (MANE Select); coding-DNA position 8, C replaced by G.
Protein change: p.Ser3Trp; replaces serine 3 with tryptophan.
Molecular consequence: missense variant.
Genome position (GRCh38, 1-based): chrX:153,970,833, G>C on the plus strand (C>G on the coding strand, the complement: HCFC1 is on the minus strand). VCF-style: chrX-153970833-G-C. GRCh37 (hg19) VCF-style: chrX-153236284-G-C.
Other names: c.8C>G, p.Ser3Trp (NM_001410705.1, NM_001440843.1, NM_001440844.1 and 7 more transcripts); short protein forms S3W.
Identifiers: ClinVar variation 5020515 (VCV005020515.1).